The following is an entry in ClinVar:

NM_020975.6(RET):c.3316G>A (p.Ala1106Thr)

Gene: RET (ret proto-oncogene; plus strand). Cytogenetic location: 10q11.21.
Variant type: single nucleotide variant.
Coding change: c.3316G>A on transcript NM_020975.6 (MANE Select); coding-DNA position 3316, G replaced by A.
Protein change: p.Ala1106Thr; replaces alanine 1106 with threonine.
Molecular consequence: missense variant.
Genome position (GRCh38, 1-based): chr10:43,128,240, G>A. VCF-style: chr10-43128240-G-A. GRCh37 (hg19) VCF-style: chr10-43623688-G-A.
Other names: c.3316G>A (NM_020975.4); short protein forms A1106T.
Identifiers: ClinVar variation 1038777 (VCV001038777.9), dbSNP rs1838377953, ClinGen allele CA376559275.
Genomic context (GRCh38, chr10:43,128,240, plus strand): 5'-GGGTTTCCAAGATATCCAAATGATAGTGTATATGCTAACTGGATGCTTTCACCCTCAGCG[G>A]CAAAATTAATGGACACGTTTGATAGTTAACATTTCTTTGTGAAAGGTAATGGACTCACAA-3'
Protein context (NP_066124.1, residues 1096-1114): YANWMLSPSA[Ala1106Thr]KLMDTFDS

ClinVar aggregate classification (germline): Uncertain significance. Review status: criteria provided, multiple submitters, no conflicts (2 of 4 stars). 2 submissions from 2 submitters: Uncertain significance (2). Last evaluated 2025-05-31.

Conditions:
Hereditary cancer-predisposing syndrome. Also called: Neoplastic Syndromes, Hereditary; Hereditary Cancer Syndrome; Tumor predisposition; Hereditary neoplastic syndrome. Identifiers: Orphanet 140162, MedGen C0027672, MeSH D009386, MONDO:0015356.
Multiple endocrine neoplasia, type 2 (MEN2). Identifiers: Orphanet 653, MedGen C4048306, MONDO:0019003. Disease mechanism: gain of function.

Submissions (2):

Ambry Genetics
Classification: Uncertain significance for Hereditary cancer-predisposing syndrome. Last evaluated: 2025-05-31. Review status: criteria provided, single submitter. Criteria: Ambry Variant Classification Scheme 2023. Collection method: clinical testing. Allele origin: germline.
Comment: The p.A1106T variant (also known as c.3316G>A), located in coding exon 20 of the RET gene, results from a G to A substitution at nucleotide position 3316. The alanine at codon 1106 is replaced by threonine, an amino acid with similar properties. This amino acid position is conserved. In addition, the in silico prediction for this alteration is inconclusive. Based on the available evidence, the clinical significance of this variant remains unclear.

Labcorp Genetics (formerly Invitae), Labcorp
Classification: Uncertain significance for Multiple endocrine neoplasia, type 2. Last evaluated: 2022-10-23. Review status: criteria provided, single submitter. Criteria: Invitae Variant Classification Sherloc (09022015). Collection method: clinical testing. Allele origin: germline.
Comment: Algorithms developed to predict the effect of missense changes on protein structure and function are either unavailable or do not agree on the potential impact of this missense change (SIFT: "Deleterious"; PolyPhen-2: "Probably Damaging"; Align-GVGD: "Class C0"). In summary, the available evidence is currently insufficient to determine the role of this variant in disease. Therefore, it has been classified as a Variant of Uncertain Significance. ClinVar contains an entry for this variant (Variation ID: 1038777). This variant has not been reported in the literature in individuals affected with RET-related conditions. This variant is not present in population databases (gnomAD no frequency). This sequence change replaces alanine, which is neutral and non-polar, with threonine, which is neutral and polar, at codon 1106 of the RET protein (p.Ala1106Thr).